The following is an entry in ClinVar:

ClinVar aggregate classification (germline): Uncertain significance. Review status: criteria provided, multiple submitters, no conflicts (2 of 4 stars). 2 submissions from 2 submitters: Uncertain significance (2). Last evaluated 2025-02-17.

Conditions:
Inborn genetic diseases. Identifiers: MedGen C0950123, MeSH D030342.
Baller-Gerold syndrome (BGS). Also called: CRANIOSYNOSTOSIS WITH RADIAL DEFECTS. Identifiers: Orphanet 1225, MedGen C0265308, MONDO:0009039, OMIM 218600.

Submissions (2):

Labcorp Genetics (formerly Invitae), Labcorp
Classification: Uncertain significance for Baller-Gerold syndrome. Last evaluated: 2025-02-17. Review status: criteria provided, single submitter. Criteria: Invitae Variant Classification Sherloc (09022015). Collection method: clinical testing. Allele origin: germline.
Comment: This sequence change replaces asparagine, which is neutral and polar, with lysine, which is basic and polar, at codon 699 of the RECQL4 protein (p.Asn699Lys). This variant is not present in population databases (gnomAD no frequency). This variant has not been reported in the literature in individuals affected with RECQL4-related conditions. ClinVar contains an entry for this variant (Variation ID: 835659). Invitae Evidence Modeling of protein sequence and biophysical properties (such as structural, functional, and spatial information, amino acid conservation, physicochemical variation, residue mobility, and thermodynamic stability) indicates that this missense variant is not expected to disrupt RECQL4 protein function with a negative predictive value of 80%. In summary, the available evidence is currently insufficient to determine the role of this variant in disease. Therefore, it has been classified as a Variant of Uncertain Significance.

Ambry Genetics
Classification: Uncertain significance for Inborn genetic diseases. Last evaluated: 2025-02-05. Review status: criteria provided, single submitter. Criteria: Ambry Variant Classification Scheme 2023. Collection method: clinical testing. Allele origin: germline.
Comment: The p.N699K variant (also known as c.2097C>G), located in coding exon 13 of the RECQL4 gene, results from a C to G substitution at nucleotide position 2097. The asparagine at codon 699 is replaced by lysine, an amino acid with similar properties. This amino acid position is conserved. In addition, this alteration is predicted to be tolerated by in silico analysis. Based on the available evidence, the clinical significance of this variant remains unclear.

NM_004260.4(RECQL4):c.2097C>G (p.Asn699Lys)

Gene: RECQL4 (RecQ like helicase 4; minus strand). Cytogenetic location: 8q24.3.
Variant type: single nucleotide variant.
Coding change: c.2097C>G on transcript NM_004260.4 (MANE Select); coding-DNA position 2097, C replaced by G.
Protein change: p.Asn699Lys; replaces asparagine 699 with lysine.
Molecular consequence: missense variant.
Genome position (GRCh38, 1-based): chr8:144,513,674, G>C on the plus strand (C>G on the coding strand, the complement: RECQL4 is on the minus strand). VCF-style: chr8-144513674-G-C. GRCh37 (hg19) VCF-style: chr8-145739058-G-C.
Other names: short protein forms N699K.
Identifiers: ClinVar variation 835659 (VCV000835659.7), dbSNP rs896790337, ClinGen allele CA372679959.